The following is an entry in ClinVar:

ClinVar aggregate classification (germline): Conflicting classifications of pathogenicity. Review status: criteria provided, conflicting classifications (1 of 4 stars). 2 submissions from 2 submitters: Uncertain significance (1); Likely benign (1). Last evaluated 2025-10-01.

Conditions:
Tumor predisposition syndrome 3 (TPDS3). Also called: Melanoma, cutaneous malignant, susceptibility to, 10; Glioma susceptibility 9; LONG TELOMERE SYNDROME, POT1-RELATED; POT1 Tumor Predisposition. Identifiers: Orphanet 618, MedGen C4014476, MONDO:0014368, OMIM 615848.
Hereditary cancer-predisposing syndrome. Also called: Neoplastic Syndromes, Hereditary; Hereditary Cancer Syndrome; Hereditary neoplastic syndrome; Tumor predisposition. Identifiers: Orphanet 140162, MedGen C0027672, MeSH D009386, MONDO:0015356.

Allele frequency attached by ClinVar (database versions not stated): gnomAD exomes 0.00001.
gnomAD v4.1: 8 of 1,611,216 alleles (0.0005%); highest among the groups gnomAD compares: African/African-American, 0.0013%; no homozygotes.

Submissions (2):

Labcorp Genetics (formerly Invitae), Labcorp
Classification: Uncertain significance for Tumor predisposition syndrome 3. Last evaluated: 2025-10-01. Review status: criteria provided, single submitter. Criteria: Invitae Variant Classification Sherloc (09022015). Collection method: clinical testing. Allele origin: germline.
Comment: This sequence change replaces isoleucine, which is neutral and non-polar, with valine, which is neutral and non-polar, at codon 218 of the POT1 protein (p.Ile218Val). This variant is not present in population databases (gnomAD no frequency). This variant has not been reported in the literature in individuals affected with POT1-related conditions. ClinVar contains an entry for this variant (Variation ID: 1045383). Invitae Evidence Modeling of protein sequence and biophysical properties (such as structural, functional, and spatial information, amino acid conservation, physicochemical variation, residue mobility, and thermodynamic stability) indicates that this missense variant is not expected to disrupt POT1 protein function with a negative predictive value of 80%. In summary, the available evidence is currently insufficient to determine the role of this variant in disease. Therefore, it has been classified as a Variant of Uncertain Significance.

Ambry Genetics
Classification: Likely benign for Hereditary cancer-predisposing syndrome. Last evaluated: 2022-12-04. Review status: criteria provided, single submitter. Criteria: Ambry Variant Classification Scheme 2023. Collection method: clinical testing. Allele origin: germline.

NM_015450.3(POT1):c.652A>G (p.Ile218Val)

Gene: POT1 (protection of telomeres 1; minus strand). Cytogenetic location: 7q31.33.
Variant type: single nucleotide variant.
Coding change: c.652A>G on transcript NM_015450.3 (MANE Select); coding-DNA position 652, A replaced by G.
Protein change: p.Ile218Val; replaces isoleucine 218 with valine.
Molecular consequence: missense variant. On other transcripts: non-coding transcript variant (3).
Genome position (GRCh38, 1-based): chr7:124,859,007, T>C on the plus strand (A>G on the coding strand, the complement: POT1 is on the minus strand). VCF-style: chr7-124859007-T-C. GRCh37 (hg19) VCF-style: chr7-124499061-T-C.
Other names: c.259A>G, p.Ile87Val (NM_001042594.2); c.652A>G (NM_015450.2); short protein forms I218V, I87V.
Identifiers: ClinVar variation 1045383 (VCV001045383.10), dbSNP rs1795515981, ClinGen allele CA369056225.